The following is an entry in ClinVar:

ClinVar aggregate classification (germline): Likely pathogenic (1 of 4 stars; one submission).

Conditions:
Anemia, nonspherocytic hemolytic, due to G6PD deficiency (CNSHA1). Also called: Hemolytic anemia due to G6PD deficiency; Class I glucose-6-phosphate dehydrogenase deficiency; Favism, susceptibility to; ANEMIA, CONGENITAL, NONSPHEROCYTIC HEMOLYTIC, 1. Identifiers: Orphanet 466026, MedGen C2720289, MONDO:0010480, OMIM 300908.

Submission:

Dunham Lab, University of Washington
Classification: Likely pathogenic for Anemia, nonspherocytic hemolytic, due to G6PD deficiency. Last evaluated: 2022-08-12. Review status: criteria provided, single submitter. Criteria: Bayesian ACMG Guidelines, 2018. Collection method: curation. Allele origin: unknown. Affected: yes.
Comment: Decreased activity in red blood cells (PS3). Not found in gnomAD (PM2). Predicted to be damaging by SIFT, probably damaging by PolyPhen, and disease causing by Mutation Taster (PP3). Post_P 0.975 (odds of pathogenicity 350.3, Prior_P 0.1).

Literature cited by the submitters: PubMed 31294066.

NM_001360016.2(G6PD):c.743G>A (p.Gly248Asp)

Gene: G6PD (glucose-6-phosphate dehydrogenase; minus strand). Cytogenetic location: Xq28.
Variant type: single nucleotide variant.
Coding change: c.743G>A on transcript NM_001360016.2 (MANE Select); coding-DNA position 743, G replaced by A.
Protein change: p.Gly248Asp; replaces glycine 248 with aspartic acid.
Molecular consequence: missense variant.
Genome position (GRCh38, 1-based): chrX:154,534,062, C>T on the plus strand (G>A on the coding strand, the complement: G6PD is on the minus strand). VCF-style: chrX-154534062-C-T. GRCh37 (hg19) VCF-style: chrX-153762277-C-T.
Other names: G6PD Chiayi; c.833G>A, p.Gly278Asp (NM_000402.4); c.743G>A, p.Gly248Asp (NM_001042351.3); short protein forms G248D, G278D.
Identifiers: ClinVar variation 1722756 (VCV001722756.2), dbSNP rs2523266673, ClinGen allele CA415236318.